The following is an entry in ClinVar:

ClinVar aggregate classification (germline): Pathogenic (1 of 4 stars; one submission).

Submission:

Labcorp Genetics (formerly Invitae), Labcorp
Classification: Pathogenic. Last evaluated: 2023-11-13. Review status: criteria provided, single submitter. Criteria: Invitae Variant Classification Sherloc (09022015). Collection method: clinical testing. Allele origin: germline.
Comment: This sequence change creates a premature translational stop signal (p.Gln342*) in the SPTB gene. It is expected to result in an absent or disrupted protein product. Loss-of-function variants in SPTB are known to be pathogenic (PMID: 1391962, 1498324, 8844207, 26830532, 27292444). Information on the frequency of this variant in the gnomAD database is not available, as this variant may be reported differently in the database. This premature translational stop signal has been observed in individual(s) with clinical features of SPTB-related conditions (PMID: 34093240). For these reasons, this variant has been classified as Pathogenic.

Literature cited by the submitters: PubMed 1391962; PubMed 1498324; PubMed 8844207; PubMed 26830532; PubMed 27292444; PubMed 34093240.

NM_001355436.2(SPTB):c.1023_1024delinsTT (p.Gln342Ter)

Gene: SPTB (spectrin beta, erythrocytic; minus strand). Cytogenetic location: 14q23.3.
Variant type: Indel.
Coding change: c.1023_1024delinsTT on transcript NM_001355436.2 (MANE Select); coding-DNA positions 1023 to 1024, GC replaced by TT.
Protein change: p.Gln342Ter; replaces glutamine 342 with a stop codon.
Molecular consequence: nonsense.
Genome position (GRCh38, 1-based): chr14:64,799,787-64,799,788, GC replaced by AA on the plus strand (GC replaced by TT on the coding strand, the reverse complement: SPTB is on the minus strand). VCF-style: chr14-64799787-GC-AA. GRCh37 (hg19) VCF-style: chr14-65266505-GC-AA.
Other names: c.1023_1024delinsTT, p.Gln342Ter (NM_001024858.4, NM_001355437.2); short protein forms Q342*.
Identifiers: ClinVar variation 2695576 (VCV002695576.3), dbSNP rs2503198124, ClinGen allele CA2697554046.